The following is an entry in ClinVar:

NM_001256071.3(RNF213):c.8398A>C (p.Lys2800Gln)

Gene: RNF213 (ring finger protein 213; plus strand). Cytogenetic location: 17q25.3.
Variant type: single nucleotide variant.
Coding change: c.8398A>C on transcript NM_001256071.3 (MANE Select); coding-DNA position 8398, A replaced by C.
Protein change: p.Lys2800Gln; replaces lysine 2800 with glutamine.
Molecular consequence: missense variant.
Genome position (GRCh38, 1-based): chr17:80,346,733, A>C. VCF-style: chr17-80346733-A-C. GRCh37 (hg19) VCF-style: chr17-78320533-A-C.
Other names: c.8545A>C, p.Lys2849Gln (NM_001410195.1, NM_020914.5); short protein forms K2800Q, K2849Q.
Identifiers: ClinVar variation 3250430 (VCV003250430.1), dbSNP rs769715153.

ClinVar aggregate classification (germline): Uncertain significance (1 of 4 stars; one submission).

Conditions:
Moyamoya disease 2 (MYMY2). Also called: MOYAMOYA DISEASE 2, SUSCEPTIBILITY TO. Identifiers: Orphanet 2573, MedGen C1846689, MONDO:0011784, OMIM 607151.

Allele frequency attached by ClinVar (database versions not stated): gnomAD exomes 0.00001; ExAC 0.00002.
gnomAD v4.1: 11 of 1,612,514 alleles (0.00068%); highest among the groups gnomAD compares: South Asian, 0.012%; no homozygotes.

Submission:

Neuberg Centre For Genomic Medicine, NCGM
Classification: Uncertain significance for Moyamoya disease 2. Review status: criteria provided, single submitter. Criteria: ACMG Guidelines, 2015. Collection method: clinical testing. Allele origin: germline. Inheritance: Autosomal dominant inheritance. Affected: yes.
Comment: The observed missense variant c.8398A>C (p.Lys2800Gln) in RNF213 gene has not been reported previously as a pathogenic variant nor as a benign variant, to our knowledge. The p.Lys2800Gln variant has allele frequency 0.001% in gnomAD Exomes. This variant has not been submitted to the ClinVar database. The amino acid change p.Lys2800Gln in RNF213 is predicted as conserved by GERP++ and PhyloP across 100 vertebrates. The amino acid Lys at position 2800 is changed to a Gln changing protein sequence and it might alter its composition and physico-chemical properties. Multiple lines of computational evidence, (SIFT - Damaging and Mutation Taster - Disease causing) predict a damaging effect on protein structure and function for this variant. For these reasons, this variant has been classified as Variant of Uncertain Significance (VUS).